The following is an entry in ClinVar:

NM_001386140.1(MTTP):c.111G>A (p.Thr37=)

Gene: MTTP (microsomal triglyceride transfer protein; plus strand). Cytogenetic location: 4q23.
Variant type: single nucleotide variant.
Coding change: c.111G>A on transcript NM_001386140.1 (MANE Select); coding-DNA position 111, G replaced by A.
Protein change: p.Thr37=; no amino-acid change (threonine 37 retained).
Molecular consequence: synonymous variant. On other transcripts: 5 prime UTR variant (1).
Genome position (GRCh38, 1-based): chr4:99,581,954, G>A. VCF-style: chr4-99581954-G-A. GRCh37 (hg19) VCF-style: chr4-100503111-G-A.
Other names: p.Thr37=; c.111G>A, p.Thr37= (NM_000253.4); c.-139G>A (NM_001300785.2).
Identifiers: ClinVar variation 763318 (VCV000763318.18), dbSNP rs147921439, ClinGen allele CA3021744.

ClinVar aggregate classification (germline): Conflicting classifications of pathogenicity. Review status: criteria provided, conflicting classifications (1 of 4 stars). 6 submissions from 6 submitters: Uncertain significance (1); Benign (1); Likely benign (2). 2 of the submissions do not count toward it. Last evaluated 2025-10-27.

Conditions:
MTTP-related disorder. Also called: MTTP-related condition.
Abetalipoproteinaemia (ABL). Also called: Abetalipoproteinemia; Abetalipoproteinemia neuropathy; Apolipoprotein B deficiency; Congenital betalipoprotein deficiency syndrome; MTP DEFICIENCY. Identifiers: Orphanet 14, MedGen C0000744, MONDO:0008692, OMIM 200100, HP:0008181.

Allele frequency attached by ClinVar (database versions not stated): ESP Exome Variant Server 0.00023; gnomAD 0.00028; 1000 Genomes Project 30x 0.00031; TOPMed 0.00032; 1000 Genomes Project 0.00040.
gnomAD v4.1: 121 of 1,614,104 alleles (0.0075%); highest among the groups gnomAD compares: African/African-American, 0.091%; 1 homozygote.

Submissions (6):

Labcorp Genetics (formerly Invitae), Labcorp
Classification: Benign. Last evaluated: 2025-10-27. Review status: criteria provided, single submitter. Criteria: Invitae Variant Classification Sherloc (09022015). Collection method: clinical testing. Allele origin: germline.

Mayo Clinic Laboratories, Mayo Clinic
Classification: Likely benign. Last evaluated: 2024-10-14. Review status: criteria provided, single submitter. Criteria: ACMG Guidelines, 2015. Collection method: clinical testing. Allele origin: germline. Observed: 2 variant alleles.
Comment: BP4, BP7

Blueprint Genetics
Classification: Likely benign. Last evaluated: 2024-08-22. Review status: criteria provided, single submitter. Criteria: ACMG Guidelines, 2015. Collection method: clinical testing. Allele origin: germline.

Illumina Laboratory Services, Illumina
Classification: Uncertain significance for Abetalipoproteinaemia. Last evaluated: 2018-01-12. Review status: criteria provided, single submitter. Criteria: ICSL Variant Classification Criteria 13 December 2019. Collection method: clinical testing. Allele origin: germline.

Natera, Inc.
Classification: Benign for Abetalipoproteinemia. Last evaluated: 2020-04-22. Review status: no assertion criteria provided. Collection method: clinical testing. Allele origin: germline. Not counted in ClinVar's aggregate classification.

PreventionGenetics, part of Exact Sciences
Classification: Likely benign for MTTP-related condition. Last evaluated: 2020-01-28. Review status: no assertion criteria provided. Collection method: clinical testing. Allele origin: germline. Not counted in ClinVar's aggregate classification.
Comment: This variant is classified as likely benign based on ACMG/AMP sequence variant interpretation guidelines (Richards et al. 2015 PMID: 25741868, with internal and published modifications).